The following is an entry in ClinVar:

NM_005732.4(RAD50):c.1284_1285del (p.Gln428fs)

Gene: RAD50 (RAD50 double strand break repair protein; plus strand). Cytogenetic location: 5q31.1.
Variant type: Deletion.
Coding change: c.1284_1285del on transcript NM_005732.4 (MANE Select); coding-DNA positions 1284 to 1285, 2 bases deleted (GA; older notation c.1284_1285delGA).
Protein change: p.Gln428fs; shifts the reading frame from glutamine 428.
Molecular consequence: frameshift variant.
Genome position (GRCh38, 1-based): chr5:132,589,669-132,589,670, GA deleted; deleting any 2 consecutive bases within chr5:132,589,668-132,589,670 gives the same sequence; the c. name uses the placement nearest the transcript's 3' end. VCF-style (leftmost placement, unchanged base first): chr5-132589667-CAG-C. GRCh37 (hg19) VCF-style: chr5-131925359-CAG-C.
Other names: short protein forms Q428fs.
Identifiers: ClinVar variation 1768504 (VCV001768504.7), dbSNP rs1430789415, ClinGen allele CA804023872.

ClinVar aggregate classification (germline): Pathogenic. Review status: criteria provided, multiple submitters, no conflicts (2 of 4 stars). 2 submissions from 2 submitters: Pathogenic (2). Last evaluated 2023-06-09.

Conditions:
Hereditary cancer-predisposing syndrome. Also called: Hereditary Cancer Syndrome; Hereditary neoplastic syndrome; Neoplastic Syndromes, Hereditary; Tumor predisposition. Identifiers: Orphanet 140162, MedGen C0027672, MeSH D009386, MONDO:0015356.

Submissions (2):

Labcorp Genetics (formerly Invitae), Labcorp
Classification: Pathogenic for Hereditary cancer-predisposing syndrome. Last evaluated: 2023-06-09. Review status: criteria provided, single submitter. Criteria: Invitae Variant Classification Sherloc (09022015). Collection method: clinical testing. Allele origin: germline.
Comment: For these reasons, this variant has been classified as Pathogenic. ClinVar contains an entry for this variant (Variation ID: 1768504). This variant has not been reported in the literature in individuals affected with RAD50-related conditions. This variant is not present in population databases (gnomAD no frequency). This sequence change creates a premature translational stop signal (p.Gln428Hisfs*3) in the RAD50 gene. It is expected to result in an absent or disrupted protein product. Loss-of-function variants in RAD50 are known to be pathogenic (PMID: 19409520).

Ambry Genetics
Classification: Pathogenic for Hereditary cancer-predisposing syndrome. Last evaluated: 2021-12-17. Review status: criteria provided, single submitter. Criteria: Ambry Variant Classification Scheme 2023. Collection method: clinical testing. Allele origin: germline.
Comment: The c.1284_1285delGA variant, located in coding exon 9 of the RAD50 gene, results from a deletion of two nucleotides at nucleotide positions 1284 to 1285, causing a translational frameshift with a predicted alternate stop codon (p.Q428Hfs*3). This variant is considered to be rare based on population cohorts in the Genome Aggregation Database (gnomAD). This alteration is expected to result in loss of function by premature protein truncation or nonsense-mediated mRNA decay. As such, this alteration is interpreted as a disease-causing mutation.

Literature cited by the submitters: PubMed 19409520 (cited by Labcorp Genetics (formerly Invitae), Labcorp).